The following is an entry in ClinVar:

NM_000052.7(ATP7A):c.4319T>C (p.Ile1440Thr)

Gene: ATP7A (ATPase copper transporting alpha; plus strand). Cytogenetic location: Xq21.1.
Variant type: single nucleotide variant.
Coding change: c.4319T>C on transcript NM_000052.7 (MANE Select); coding-DNA position 4319, T replaced by C.
Protein change: p.Ile1440Thr; replaces isoleucine 1440 with threonine.
Molecular consequence: missense variant. On other transcripts: non-coding transcript variant (1).
Genome position (GRCh38, 1-based): chrX:78,046,386, T>C. VCF-style: chrX-78046386-T-C. GRCh37 (hg19) VCF-style: chrX-77301883-T-C.
Other names: c.4085T>C, p.Ile1362Thr (NM_001282224.2); short protein forms I1362T, I1440T.
Identifiers: ClinVar variation 2102256 (VCV002102256.4), dbSNP rs2522427561, ClinGen allele CA413606165.

ClinVar aggregate classification (germline): Uncertain significance (1 of 4 stars; one submission).

Conditions:
X-linked distal spinal muscular atrophy type 3. Also called: ATP7A-Related Distal Motor Neuropathy; SPINAL MUSCULAR ATROPHY, DISTAL, X-LINKED RECESSIVE; NEURONOPATHY, DISTAL HEREDITARY MOTOR, X-LINKED; NEUROPATHY, DISTAL HEREDITARY MOTOR, X-LINKED. Identifiers: Orphanet 139557, MedGen C1845359, MONDO:0010338, OMIM 300489.
Menkes kinky-hair syndrome (MNK). Also called: Copper transport disease; Menkes Disease; Classic Menkes Disease. Identifiers: Orphanet 565, MedGen C0022716, MONDO:0010651, OMIM 309400.
Cutis laxa, X-linked (OHS). Also called: EDS IX; Occipital horn syndrome. Identifiers: Orphanet 198, MedGen C0268353, MONDO:0010572, OMIM 304150.

Submission:

Labcorp Genetics (formerly Invitae), Labcorp
Classification: Uncertain significance for X-linked distal spinal muscular atrophy type 3; Cutis laxa, X-linked; Menkes kinky-hair syndrome. Last evaluated: 2025-10-21. Review status: criteria provided, single submitter. Criteria: Invitae Variant Classification Sherloc (09022015). Collection method: clinical testing. Allele origin: germline.
Comment: This sequence change replaces isoleucine, which is neutral and non-polar, with threonine, which is neutral and polar, at codon 1440 of the ATP7A protein (p.Ile1440Thr). This variant is not present in population databases (gnomAD no frequency). This variant has not been reported in the literature in individuals affected with ATP7A-related conditions. ClinVar contains an entry for this variant (Variation ID: 2102256). Invitae Evidence Modeling of protein sequence and biophysical properties (such as structural, functional, and spatial information, amino acid conservation, physicochemical variation, residue mobility, and thermodynamic stability) indicates that this missense variant is not expected to disrupt ATP7A protein function with a negative predictive value of 95%. In summary, the available evidence is currently insufficient to determine the role of this variant in disease. Therefore, it has been classified as a Variant of Uncertain Significance.